The following is an entry in ClinVar:

ClinVar aggregate classification (germline): Uncertain significance (1 of 4 stars; one submission).

Conditions:
Hereditary cancer-predisposing syndrome. Also called: Neoplastic Syndromes, Hereditary; Tumor predisposition; Hereditary Cancer Syndrome; Hereditary neoplastic syndrome. Identifiers: Orphanet 140162, MedGen C0027672, MeSH D009386, MONDO:0015356.

Submission:

Ambry Genetics
Classification: Uncertain significance for Hereditary cancer-predisposing syndrome. Last evaluated: 2021-07-04. Review status: criteria provided, single submitter. Criteria: Ambry Variant Classification Scheme 2023. Collection method: clinical testing. Allele origin: germline.
Comment: The p.C146S variant (also known as c.437G>C), located in coding exon 5 of the MRE11A gene, results from a G to C substitution at nucleotide position 437. The cysteine at codon 146 is replaced by serine, an amino acid with dissimilar properties. This amino acid position is conserved. In addition, the in silico prediction for this alteration is inconclusive. Since supporting evidence is limited at this time, the clinical significance of this alteration remains unclear.

NM_005591.4(MRE11):c.437G>C (p.Cys146Ser)

Gene: MRE11 (MRE11 double strand break repair nuclease; minus strand). Cytogenetic location: 11q21.
Variant type: single nucleotide variant.
Coding change: c.437G>C on transcript NM_005591.4 (MANE Select); coding-DNA position 437, G replaced by C.
Protein change: p.Cys146Ser; replaces cysteine 146 with serine.
Molecular consequence: missense variant.
Genome position (GRCh38, 1-based): chr11:94,478,842, C>G on the plus strand (G>C on the coding strand, the complement: MRE11 is on the minus strand). VCF-style: chr11-94478842-C-G. GRCh37 (hg19) VCF-style: chr11-94212008-C-G.
Other names: c.437G>C, p.Cys146Ser (NM_001330347.2, NM_005590.4); short protein forms C146S.
Identifiers: ClinVar variation 1799713 (VCV001799713.2), dbSNP rs1555015227, ClinGen allele CA382377687.